The following is an entry in ClinVar:

NM_006904.7(PRKDC):c.2797C>G (p.Leu933Val)

Gene: PRKDC (protein kinase, DNA-activated, catalytic subunit; minus strand). Cytogenetic location: 8q11.21.
Variant type: single nucleotide variant.
Coding change: c.2797C>G on transcript NM_006904.7 (MANE Select); coding-DNA position 2797, C replaced by G.
Protein change: p.Leu933Val; replaces leucine 933 with valine.
Molecular consequence: missense variant.
Genome position (GRCh38, 1-based): chr8:47,912,547, G>C on the plus strand (C>G on the coding strand, the complement: PRKDC is on the minus strand). VCF-style: chr8-47912547-G-C. GRCh37 (hg19) VCF-style: chr8-48825107-G-C.
Other names: c.2797C>G, p.Leu933Val (NM_001081640.2); short protein forms L933V.
Identifiers: ClinVar variation 3225810 (VCV003225810.1), dbSNP rs1452622093, ClinGen allele CA371158945.

ClinVar aggregate classification (germline): Uncertain significance (1 of 4 stars; one submission).

Allele frequency attached by ClinVar (database versions not stated): gnomAD exomes below 0.00001.
gnomAD v4.1: 2 of 1,611,268 alleles (0.00012%); highest among the groups gnomAD compares: African/African-American, 0.0013%; no homozygotes.

Submission:

Ambry Genetics
Classification: Uncertain significance. Last evaluated: 2023-10-27. Review status: criteria provided, single submitter. Criteria: Ambry Variant Classification Scheme 2023. Collection method: clinical testing. Allele origin: germline.
Comment: The p.L933V variant (also known as c.2797C>G), located in coding exon 25 of the PRKDC gene, results from a C to G substitution at nucleotide position 2797. The leucine at codon 933 is replaced by valine, an amino acid with highly similar properties. This amino acid position is conserved. In addition, this alteration is predicted to be tolerated by in silico analysis. Since supporting evidence is limited at this time, the clinical significance of this alteration remains unclear.